The following is an entry in ClinVar:

NM_000051.4(ATM):c.2600G>C (p.Ser867Thr)

Gene: ATM (ATM serine/threonine kinase; plus strand). Cytogenetic location: 11q22.3.
Variant type: single nucleotide variant.
Coding change: c.2600G>C on transcript NM_000051.4 (MANE Select); coding-DNA position 2600, G replaced by C.
Protein change: p.Ser867Thr; replaces serine 867 with threonine.
Molecular consequence: missense variant.
Genome position (GRCh38, 1-based): chr11:108,267,304, G>C. VCF-style: chr11-108267304-G-C. GRCh37 (hg19) VCF-style: chr11-108138031-G-C.
Other names: c.2600G>C, p.Ser867Thr (NM_001351834.2); short protein forms S867T.
Identifiers: ClinVar variation 1793677 (VCV001793677.2), dbSNP rs1591588485, ClinGen allele CA382544105.

ClinVar aggregate classification (germline): Uncertain significance (1 of 4 stars; one submission).

Conditions:
Hereditary cancer-predisposing syndrome. Also called: Tumor predisposition; Hereditary Cancer Syndrome; Neoplastic Syndromes, Hereditary; Hereditary neoplastic syndrome. Identifiers: Orphanet 140162, MedGen C0027672, MeSH D009386, MONDO:0015356.

Submission:

Ambry Genetics
Classification: Uncertain significance for Hereditary cancer-predisposing syndrome. Last evaluated: 2021-03-15. Review status: criteria provided, single submitter. Criteria: Ambry Variant Classification Scheme 2023. Collection method: clinical testing. Allele origin: germline.
Comment: The p.S867T variant (also known as c.2600G>C), located in coding exon 16 of the ATM gene, results from a G to C substitution at nucleotide position 2600. The serine at codon 867 is replaced by threonine, an amino acid with similar properties. This amino acid position is not well conserved in available vertebrate species. In addition, this alteration is predicted to be tolerated by in silico analysis. Since supporting evidence is limited at this time, the clinical significance of this alteration remains unclear.